The following is an entry in ClinVar:

NM_014290.3(TDRD7):c.2641C>G (p.Leu881Val)

Gene: TDRD7 (tudor domain containing 7; plus strand). Cytogenetic location: 9q22.33.
Variant type: single nucleotide variant.
Coding change: c.2641C>G on transcript NM_014290.3 (MANE Select); coding-DNA position 2641, C replaced by G.
Protein change: p.Leu881Val; replaces leucine 881 with valine.
Molecular consequence: missense variant.
Genome position (GRCh38, 1-based): chr9:97,483,077, C>G. VCF-style: chr9-97483077-C-G. GRCh37 (hg19) VCF-style: chr9-100245359-C-G.
Other names: c.2419C>G, p.Leu807Val (NM_001302884.2); short protein forms L807V, L881V.
Identifiers: ClinVar variation 2040240 (VCV002040240.4), dbSNP rs746667320, ClinGen allele CA5146986.

ClinVar aggregate classification (germline): Uncertain significance (1 of 4 stars; one submission).

Conditions:
Cataract 36. Identifiers: MedGen C3151304, MONDO:0013484, OMIM 613887.

Allele frequency attached by ClinVar (database versions not stated): gnomAD exomes 0.00002.
gnomAD v4.1: 16 of 1,614,010 alleles (0.00099%); highest among the groups gnomAD compares: Admixed American, 0.022%; no homozygotes.

Submission:

Labcorp Genetics (formerly Invitae), Labcorp
Classification: Uncertain significance for Cataract 36. Last evaluated: 2024-02-23. Review status: criteria provided, single submitter. Criteria: Invitae Variant Classification Sherloc (09022015). Collection method: clinical testing. Allele origin: germline.
Comment: This sequence change replaces leucine, which is neutral and non-polar, with valine, which is neutral and non-polar, at codon 881 of the TDRD7 protein (p.Leu881Val). This variant is present in population databases (rs746667320, gnomAD 0.02%). This variant has not been reported in the literature in individuals affected with TDRD7-related conditions. ClinVar contains an entry for this variant (Variation ID: 2040240). Algorithms developed to predict the effect of missense changes on protein structure and function output the following: SIFT: "Not Available"; PolyPhen-2: "Benign"; Align-GVGD: "Not Available". The valine amino acid residue is found in multiple mammalian species, which suggests that this missense change does not adversely affect protein function. In summary, the available evidence is currently insufficient to determine the role of this variant in disease. Therefore, it has been classified as a Variant of Uncertain Significance.